The following is an entry in ClinVar:

ClinVar aggregate classification (germline): Benign/Likely benign. Review status: criteria provided, multiple submitters, no conflicts (2 of 4 stars). 10 submissions from 10 submitters: Benign (6); Likely benign (3). 1 of the submissions does not count toward it. Last evaluated 2026-09-01.

Conditions:
Charcot-Marie-Tooth disease type 2. Also called: Charcot-Marie-Tooth type 2. Identifiers: Orphanet 64746, MedGen C0270914, MONDO:0018993.
Charcot-Marie-Tooth disease axonal type 2N (CMT2N). Also called: CHARCOT-MARIE-TOOTH DISEASE, AXONAL, AUTOSOMAL DOMINANT, TYPE 2N; CHARCOT-MARIE-TOOTH NEUROPATHY, AXONAL, TYPE 2N; Charcot-Marie-Tooth Neuropathy Type 2N. Identifiers: Orphanet 228174, MedGen C2750090, MONDO:0013212, OMIM 613287.
Leukoencephalopathy, hereditary diffuse, with spheroids 2 (HDLS2). Also called: LEUKOENCEPHALOPATHY, HEREDITARY DIFFUSE, WITH SPHEROIDS, SWEDISH TYPE. Identifiers: MedGen C5562044, MONDO:0030634, OMIM 619661.
Trichothiodystrophy 8, nonphotosensitive. Identifiers: MedGen C5562057, MONDO:0030517, OMIM 619691.
Developmental and epileptic encephalopathy, 29 (DEE29). Also called: Epileptic encephalopathy, early infantile, 29. Identifiers: Orphanet 442835, MedGen C4225361, MONDO:0014593, OMIM 616339.

Allele frequency attached by ClinVar (database versions not stated): 1000 Genomes Project 0.00359; 1000 Genomes Project 30x 0.00390; gnomAD 0.00942 and 0.00971; TOPMed 0.00949; ExAC 0.00961; gnomAD exomes 0.00992 and 0.01232; ESP Exome Variant Server 0.01031.
gnomAD v4.1: 19,404 of 1,614,088 alleles (1.2%); highest among the groups gnomAD compares: Non-Finnish European, 1.4%; 157 homozygotes.

Submissions (10):

CeGaT Center for Human Genetics Tuebingen
Classification: Benign. Last evaluated: 2026-09-01. Review status: criteria provided, single submitter. Criteria: CeGaT Center For Human Genetics Tuebingen Variant Classification Criteria Version 2. Collection method: clinical testing. Allele origin: germline. Affected: yes. Observed: 156 variant alleles.
Comment: AARS1: BS1, BS2

Labcorp Genetics (formerly Invitae), Labcorp
Classification: Benign for Charcot-Marie-Tooth disease type 2. Last evaluated: 2026-02-03. Review status: criteria provided, single submitter. Criteria: Invitae Variant Classification Sherloc (09022015). Collection method: clinical testing. Allele origin: germline.

ARUP Laboratories, Molecular Genetics and Genomics, ARUP Laboratories
Classification: Benign. Last evaluated: 2025-04-17. Review status: criteria provided, single submitter. Criteria: ARUP Molecular Germline Variant Investigation Process 2024. Collection method: clinical testing. Allele origin: germline.

Mayo Clinic Laboratories, Mayo Clinic
Classification: Benign. Last evaluated: 2022-06-17. Review status: criteria provided, single submitter. Criteria: ACMG Guidelines, 2015. Collection method: clinical testing. Allele origin: germline. Observed: 43 variant alleles.

Fulgent Genetics
Classification: Likely benign for Charcot-Marie-Tooth disease axonal type 2N; Developmental and epileptic encephalopathy, 29; Leukoencephalopathy, hereditary diffuse, with spheroids 2; Trichothiodystrophy 8, nonphotosensitive. Last evaluated: 2021-08-13. Review status: criteria provided, single submitter. Criteria: ACMG Guidelines, 2015. Collection method: clinical testing. Allele origin: unknown.

Illumina Laboratory Services, Illumina
Classification: Benign for Charcot-Marie-Tooth disease axonal type 2N. Last evaluated: 2018-01-13. Review status: criteria provided, single submitter. Criteria: ICSL Variant Classification Criteria 13 December 2019. Collection method: clinical testing. Allele origin: germline.
Comment: This variant was observed in the ICSL laboratory as part of a predisposition screen in an ostensibly healthy population. It had not been previously curated by ICSL or reported in the Human Gene Mutation Database (HGMD: prior to June 1st, 2018), and was therefore a candidate for classification through an automated scoring system. Utilizing variant allele frequency, disease prevalence and penetrance estimates, and inheritance mode, an automated score was calculated to assess if this variant is too frequent to cause the disease. Based on the score and internal cut-off values, a variant classified as benign is not then subjected to further curation. The score for this variant resulted in a classification of benign for this disease.

GeneDx
Classification: Benign. Last evaluated: 2015-03-03. Review status: criteria provided, single submitter. Criteria: GeneDx Variant Classification Process June 2021. Collection method: clinical testing. Allele origin: germline. Affected: yes.

Genome Diagnostics Laboratory, University Medical Center Utrecht
Classification: Likely benign for Charcot-Marie-Tooth disease axonal type 2N. Last evaluated: 2014-10-09. Review status: criteria provided, single submitter. Criteria: ACGS Guidelines, 2013. Collection method: clinical testing. Allele origin: germline. Affected: yes. Study: VKGL Data-share Consensus.

Breakthrough Genomics
Classification: Likely benign. Review status: criteria provided, single submitter. Criteria: ACMG Guidelines, 2015. Collection method: not provided. Allele origin: germline. Inheritance: Autosomal recessive inheritance. Affected: yes.

Clinical Genetics, Academic Medical Center
Classification: Benign. Review status: no assertion criteria provided. Collection method: clinical testing. Allele origin: germline. Affected: yes. Study: VKGL Data-share Consensus. Not counted in ClinVar's aggregate classification.

NM_001605.3(AARS1):c.2900A>T (p.Lys967Met)

Gene: AARS1 (alanyl-tRNA synthetase 1; minus strand). Cytogenetic location: 16q22.1.
Variant type: single nucleotide variant.
Coding change: c.2900A>T on transcript NM_001605.3 (MANE Select); coding-DNA position 2900, A replaced by T.
Protein change: p.Lys967Met; replaces lysine 967 with methionine.
Molecular consequence: missense variant.
Genome position (GRCh38, 1-based): chr16:70,252,728, T>A on the plus strand (A>T on the coding strand, the complement: AARS1 is on the minus strand). VCF-style: chr16-70252728-T-A. GRCh37 (hg19) VCF-style: chr16-70286631-T-A.
Other names: p.Lys967Met; short protein forms K967M.
Identifiers: ClinVar variation 220723 (VCV000220723.61), dbSNP rs35744709, ClinGen allele CA348381.